The following is an entry in ClinVar:

ClinVar aggregate classification (germline): Uncertain significance (1 of 4 stars; one submission).

gnomAD v4.1: 4 of 1,549,388 alleles (0.00026%); highest among the groups gnomAD compares: Admixed American, 0.0082%; no homozygotes.

Submission:

GeneDx
Classification: Uncertain significance. Last evaluated: 2025-07-11. Review status: criteria provided, single submitter. Criteria: GeneDx Variant Classification Process June 2021. Collection method: clinical testing. Allele origin: germline. Affected: yes.
Comment: In silico analysis suggests that this missense variant does not alter protein structure/function; Has not been previously published as pathogenic or benign to our knowledge

NM_001379659.1(ZNF142):c.3458A>C (p.Glu1153Ala)

Gene: ZNF142 (zinc finger protein 142; minus strand). Cytogenetic location: 2q35.
Variant type: single nucleotide variant.
Coding change: c.3458A>C on transcript NM_001379659.1 (MANE Select); coding-DNA position 3458, A replaced by C.
Protein change: p.Glu1153Ala; replaces glutamic acid 1153 with alanine.
Molecular consequence: missense variant.
Genome position (GRCh38, 1-based): chr2:218,643,658, T>G on the plus strand (A>C on the coding strand, the complement: ZNF142 is on the minus strand). VCF-style: chr2-218643658-T-G. GRCh37 (hg19) VCF-style: chr2-219508381-T-G.
Other names: c.2369A>C, p.Glu790Ala (NM_001366288.3, NM_001366289.3, NM_001366287.3); c.3458A>C, p.Glu1153Ala (NM_001366290.3, NM_001379660.1, NM_001379661.1); c.2858A>C, p.Glu953Ala (NM_001366291.3, NM_001379662.1, NM_001105537.5); short protein forms E1153A, E790A, E953A.
Identifiers: ClinVar variation 4686285 (VCV004686285.1).